The following is an entry in ClinVar:

ClinVar aggregate classification (germline): Likely benign (1 of 4 stars; one submission).

Conditions:
EPHB4-related disorder. Also called: EPHB4-related condition; EPHB4-related disorders.

gnomAD v4.1: 11 of 1,607,158 alleles (0.00068%); highest among the groups gnomAD compares: African/African-American, 0.0027%; no homozygotes.

Submission:

PreventionGenetics, part of Exact Sciences
Classification: Likely benign for EPHB4-related condition. Last evaluated: 2025-09-17. Review status: criteria provided, single submitter. Criteria: ACMG Guidelines, 2015. Collection method: clinical testing. Allele origin: germline.
Comment: This variant is classified as likely benign based on ACMG/AMP sequence variant interpretation guidelines (Richards et al. 2015 PMID: 25741868, with internal and published modifications).

NM_004444.5(EPHB4):c.1788T>C (p.Tyr596=)

Gene: EPHB4 (EPH receptor B4; minus strand). Cytogenetic location: 7q22.1.
Variant type: single nucleotide variant.
Coding change: c.1788T>C on transcript NM_004444.5 (MANE Select); coding-DNA position 1788, T replaced by C.
Protein change: p.Tyr596=; no amino-acid change (tyrosine 596 retained).
Molecular consequence: synonymous variant.
Genome position (GRCh38, 1-based): chr7:100,813,177, A>G on the plus strand (T>C on the coding strand, the complement: EPHB4 is on the minus strand). VCF-style: chr7-100813177-A-G. GRCh37 (hg19) VCF-style: chr7-100410799-A-G.
Identifiers: ClinVar variation 4995093 (VCV004995093.1).
Genomic context (GRCh38, chr7:100,813,177, plus strand): 5'-CTTGACGTAGGAGACATCGATCTCTTTTGCAAATTCCCTCACAGCCTCATTAGGGTCTTC[A>G]TAAGTGAAGGGGTCGATGTAGACCTTAGTACCTGAGAAATCAGGCAGGGCCCCGTCAGCT-3'
Protein context (NP_004435.3, residues 586-606): GTKVYIDPFT[Tyr596=]EDPNEAVREF